The following is an entry in ClinVar:

ClinVar aggregate classification (germline): Benign/Likely benign. Review status: criteria provided, multiple submitters, no conflicts (2 of 4 stars). 4 submissions from 4 submitters: Benign (2); Likely benign (1). 1 of the submissions does not count toward it. Last evaluated 2024-11-28.

Conditions:
SEPTIN9-related disorder. Also called: SEPTIN9-related condition.

Allele frequency attached by ClinVar (database versions not stated): gnomAD exomes 0.08709; ESP Exome Variant Server 0.10803; ExAC 0.13438; gnomAD 0.15132 and 0.15578; TOPMed 0.16207; 1000 Genomes Project 0.16394; 1000 Genomes Project 30x 0.16943.
gnomAD v4.1: 143,855 of 1,548,048 alleles (9.3%); highest among the groups gnomAD compares: African/African-American, 34%; 9,435 homozygotes.

Submissions (4):

Blueprint Genetics
Classification: Likely benign. Last evaluated: 2024-11-28. Review status: criteria provided, single submitter. Criteria: ACMG Guidelines, 2015. Collection method: clinical testing. Allele origin: germline.

GeneDx
Classification: Benign. Last evaluated: 2018-07-06. Review status: criteria provided, single submitter. Criteria: GeneDx Variant Classification Process June 2021. Collection method: clinical testing. Allele origin: germline. Affected: yes.

Breakthrough Genomics
Classification: Benign. Review status: criteria provided, single submitter. Criteria: ACMG Guidelines, 2015. Collection method: not provided. Allele origin: germline. Inheritance: Autosomal dominant inheritance. Affected: yes.

PreventionGenetics, part of Exact Sciences
Classification: Benign for SEPTIN9-related condition. Last evaluated: 2019-10-28. Review status: no assertion criteria provided. Collection method: clinical testing. Allele origin: germline. Not counted in ClinVar's aggregate classification.
Comment: This variant is classified as benign based on ACMG/AMP sequence variant interpretation guidelines (Richards et al. 2015 PMID: 25741868, with internal and published modifications).

NM_001113491.2(SEPTIN9):c.-7A>C

Genes: SEPTIN9 (septin 9; plus strand), SEPTIN9-DT (SEPTIN9 divergent transcript; minus strand). Cytogenetic location: 17q25.3.
Variant type: single nucleotide variant.
Coding change: c.-7A>C on transcript NM_001113491.2 (MANE Select); 7 bases upstream of the start codon, A replaced by C.
Molecular consequence: 5 prime UTR variant.
Genome position (GRCh38, 1-based): chr17:77,281,529, A>C. VCF-style: chr17-77281529-A-C. GRCh37 (hg19) VCF-style: chr17-75277611-A-C.
Other names: c.-7A>C (NM_001113491.1, NM_001293695.2).
Identifiers: ClinVar variation 1239714 (VCV001239714.7), dbSNP rs8070026, ClinGen allele CA8792987.